The following is an entry in ClinVar:

ClinVar aggregate classification (germline): Uncertain significance (1 of 4 stars; one submission).

Submission:

Labcorp Genetics (formerly Invitae), Labcorp
Classification: Uncertain significance. Last evaluated: 2024-04-15. Review status: criteria provided, single submitter. Criteria: Invitae Variant Classification Sherloc (09022015). Collection method: clinical testing. Allele origin: germline.
Comment: This sequence change replaces alanine, which is neutral and non-polar, with valine, which is neutral and non-polar, at codon 867 of the CYFIP2 protein (p.Ala867Val). This variant is not present in population databases (gnomAD no frequency). This variant has not been reported in the literature in individuals affected with CYFIP2-related conditions. Experimental studies and prediction algorithms are not available or were not evaluated, and the functional significance of this variant is currently unknown. In summary, the available evidence is currently insufficient to determine the role of this variant in disease. Therefore, it has been classified as a Variant of Uncertain Significance.

NM_001037333.3(CYFIP2):c.2600C>T (p.Ala867Val)

Gene: CYFIP2 (cytoplasmic FMR1 interacting protein 2; plus strand). Cytogenetic location: 5q33.3.
Variant type: single nucleotide variant.
Coding change: c.2600C>T on transcript NM_001037333.3 (MANE Select); coding-DNA position 2600, C replaced by T.
Protein change: p.Ala867Val; replaces alanine 867 with valine.
Molecular consequence: missense variant.
Genome position (GRCh38, 1-based): chr5:157,341,084, C>T. VCF-style: chr5-157341084-C-T. GRCh37 (hg19) VCF-style: chr5-156768092-C-T.
Other names: c.2522C>T, p.Ala841Val (NM_001291721.2); c.2675C>T, p.Ala892Val (NM_001291722.2); c.2600C>T, p.Ala867Val (NM_014376.4); short protein forms A841V, A892V, A867V.
Identifiers: ClinVar variation 2833800 (VCV002833800.3), dbSNP rs2532488677, ClinGen allele CA361972628.